The following is an entry in ClinVar:

ClinVar aggregate classification (germline): Uncertain significance (1 of 4 stars; one submission).

gnomAD v4.1: 3 of 1,137,834 alleles (0.00026%); highest among the groups gnomAD compares: East Asian, 0.0058%; no homozygotes.

Submission:

Labcorp Genetics (formerly Invitae), Labcorp
Classification: Uncertain significance. Last evaluated: 2024-03-01. Review status: criteria provided, single submitter. Criteria: Invitae Variant Classification Sherloc (09022015). Collection method: clinical testing. Allele origin: germline.
Comment: This sequence change replaces alanine, which is neutral and non-polar, with glutamic acid, which is acidic and polar, at codon 31 of the HTRA1 protein (p.Ala31Glu). This variant is not present in population databases (gnomAD no frequency). This variant has not been reported in the literature in individuals affected with HTRA1-related conditions. An algorithm developed to predict the effect of missense changes on protein structure and function (PolyPhen-2) suggests that this variant is likely to be tolerated. In summary, the available evidence is currently insufficient to determine the role of this variant in disease. Therefore, it has been classified as a Variant of Uncertain Significance.

NM_002775.5(HTRA1):c.92C>A (p.Ala31Glu)

Gene: HTRA1 (HtrA serine peptidase 1; plus strand). Cytogenetic location: 10q26.13.
Variant type: single nucleotide variant.
Coding change: c.92C>A on transcript NM_002775.5 (MANE Select); coding-DNA position 92, C replaced by A.
Protein change: p.Ala31Glu; replaces alanine 31 with glutamic acid.
Molecular consequence: missense variant.
Genome position (GRCh38, 1-based): chr10:122,461,744, C>A. VCF-style: chr10-122461744-C-A. GRCh37 (hg19) VCF-style: chr10-124221260-C-A.
Other names: short protein forms A31E.
Identifiers: ClinVar variation 2814554 (VCV002814554.3), dbSNP rs1381357974, ClinGen allele CA378605425.